The following is an entry in ClinVar:

NM_152281.3(GORAB):c.88C>G (p.Pro30Ala)

Gene: GORAB (golgin, RAB6 interacting; plus strand). Cytogenetic location: 1q24.2.
Variant type: single nucleotide variant.
Coding change: c.88C>G on transcript NM_152281.3 (MANE Select); coding-DNA position 88, C replaced by G.
Protein change: p.Pro30Ala; replaces proline 30 with alanine.
Molecular consequence: missense variant. On other transcripts: 5 prime UTR variant (1), non-coding transcript variant (1).
Genome position (GRCh38, 1-based): chr1:170,539,236, C>G. VCF-style: chr1-170539236-C-G. GRCh37 (hg19) VCF-style: chr1-170508377-C-G.
Other names: c.88C>G, p.Pro30Ala (NM_001146039.2); c.-378C>G (NM_001320252.2); c.37C>G, p.Pro13Ala (NM_001410894.1); short protein forms P13A, P30A.
Identifiers: ClinVar variation 2639545 (VCV002639545.26), dbSNP rs772771053, ClinGen allele CA343161825.
Genomic context (GRCh38, chr1:170,539,236, plus strand): 5'-ACAAAGGAATTTTCCTCTATTTTCTTTTACATAGATCCATTTGAACCACAGCGACGTCTC[C>G]CCGCGAAGAAAAGTCGACAACAACTTCAGCGAGAAAAAGCCCTTGTAGAGCAAAGCCAAA-3'
Protein context (NP_689494.3, residues 20-40): KDPFEPQRRL[Pro30Ala]AKKSRQQLQR

ClinVar aggregate classification (germline): Uncertain significance. Review status: criteria provided, multiple submitters, no conflicts (2 of 4 stars). 2 submissions from 2 submitters: Uncertain significance (2). Last evaluated 2024-05-15.

gnomAD v4.1: 3 of 1,614,094 alleles (0.00019%); highest among the groups gnomAD compares: Non-Finnish European, 0.00025%; no homozygotes.

Submissions (2):

Labcorp Genetics (formerly Invitae), Labcorp
Classification: Uncertain significance. Last evaluated: 2024-05-15. Review status: criteria provided, single submitter. Criteria: Invitae Variant Classification Sherloc (09022015). Collection method: clinical testing. Allele origin: germline.
Comment: This sequence change replaces proline, which is neutral and non-polar, with alanine, which is neutral and non-polar, at codon 55 of the GORAB protein (p.Pro55Ala). This variant is not present in population databases (gnomAD no frequency). This variant has not been reported in the literature in individuals affected with GORAB-related conditions. ClinVar contains an entry for this variant (Variation ID: 2639545). An algorithm developed to predict the effect of missense changes on protein structure and function (PolyPhen-2) suggests that this variant¬¨‚Ä†is likely to be tolerated. In summary, the available evidence is currently insufficient to determine the role of this variant in disease. Therefore, it has been classified as a Variant of Uncertain Significance.

CeGaT Center for Human Genetics Tuebingen
Classification: Uncertain significance. Last evaluated: 2023-10-01. Review status: criteria provided, single submitter. Criteria: CeGaT Center For Human Genetics Tuebingen Variant Classification Criteria Version 2. Collection method: clinical testing. Allele origin: germline. Affected: yes. Observed: 1 variant allele.
Comment: GORAB: PM2, BP4